The following is an entry in ClinVar:

NM_014244.5(ADAMTS2):c.2780G>A (p.Ser927Asn)

Gene: ADAMTS2 (ADAM metallopeptidase with thrombospondin type 1 motif 2; minus strand). Cytogenetic location: 5q35.3.
Variant type: single nucleotide variant.
Coding change: c.2780G>A on transcript NM_014244.5 (MANE Select); coding-DNA position 2780, G replaced by A.
Protein change: p.Ser927Asn; replaces serine 927 with asparagine.
Molecular consequence: missense variant.
Genome position (GRCh38, 1-based): chr5:179,125,151, C>T on the plus strand (G>A on the coding strand, the complement: ADAMTS2 is on the minus strand). VCF-style: chr5-179125151-C-T. GRCh37 (hg19) VCF-style: chr5-178552152-C-T.
Other names: short protein forms S927N.
Identifiers: ClinVar variation 451539 (VCV000451539.8), dbSNP rs1193602528, ClinGen allele CA362420749.

ClinVar aggregate classification (germline): Uncertain significance. Review status: criteria provided, multiple submitters, no conflicts (2 of 4 stars). 3 submissions from 3 submitters: Uncertain significance (2). 1 of the submissions does not count toward it. Last evaluated 2021-08-28.

Conditions:
Ehlers-Danlos syndrome, dermatosparaxis type. Also called: EDS VIIC; Dermatosparaxis; Ehlers-Danlos syndrome, type VII, autosomal recessive. Identifiers: Orphanet 1901, MedGen C2700425, MONDO:0009161, OMIM 225410.

Allele frequency attached by ClinVar (database versions not stated): gnomAD exomes below 0.00001; TOPMed below 0.00001.
gnomAD v4.1: 3 of 1,612,896 alleles (0.00019%); highest among the groups gnomAD compares: Non-Finnish European, 0.00017%; no homozygotes.

Submissions (3):

Labcorp Genetics (formerly Invitae), Labcorp
Classification: Uncertain significance for Ehlers-Danlos syndrome, dermatosparaxis type. Last evaluated: 2021-08-28. Review status: criteria provided, single submitter. Criteria: Invitae Variant Classification Sherloc (09022015). Collection method: clinical testing. Allele origin: germline.
Comment: This sequence change replaces serine with asparagine at codon 927 of the ADAMTS2 protein (p.Ser927Asn). The serine residue is highly conserved and there is a small physicochemical difference between serine and asparagine. This variant is not present in population databases (ExAC no frequency). This variant has not been reported in the literature in individuals affected with ADAMTS2-related conditions. ClinVar contains an entry for this variant (Variation ID: 451539). Algorithms developed to predict the effect of missense changes on protein structure and function are either unavailable or do not agree on the potential impact of this missense change (SIFT: "Deleterious"; PolyPhen-2: "Probably Damaging"; Align-GVGD: "Class C0"). In summary, the available evidence is currently insufficient to determine the role of this variant in disease. Therefore, it has been classified as a Variant of Uncertain Significance.

GeneDx
Classification: Uncertain significance. Last evaluated: 2017-08-23. Review status: criteria provided, single submitter. Criteria: GeneDx Variant Classification (06012015). Collection method: clinical testing. Allele origin: germline. Affected: yes.
Comment: The S927N variant in the ADAMTS2 gene has not been reported previously as a pathogenic variant, nor as a benign variant, to our knowledge. This variant is not observed in large population cohorts (Lek et al., 2016; 1000 Genomes Consortium et al., 2015; Exome Variant Server). The S927N variant is a conservative amino acid substitution, which is not likely to impact secondary protein structure as these residues share similar properties. This substitution occurs at a position that is not conserved. In silico analysis is inconsistent in its predictions as to whether or not the variant is damaging to the protein structure/function. We interpret S927N as a variant of uncertain significance.

Natera, Inc.
Classification: Uncertain significance for Ehlers-Danlos syndrome type VIIC. Last evaluated: 2020-10-13. Review status: no assertion criteria provided. Collection method: clinical testing. Allele origin: germline. Not counted in ClinVar's aggregate classification.